The following is an entry in ClinVar:

NC_000007.13:g.(?_6026370)_(6744804_?)dup

Genes: AIMP2 (aminoacyl tRNA synthetase complex interacting multifunctional protein 2; plus strand), CYTH3 (cytohesin 3; minus strand), DAGLB (diacylglycerol lipase beta; minus strand), EIF2AK1 (eukaryotic translation initiation factor 2 alpha kinase 1; minus strand), FAM220A (family with sequence similarity 220 member A; minus strand) and 10 more. Cytogenetic location: 7p22.1.
Variant type: Duplication.
Identifiers: ClinVar variation 1483586 (VCV001483586.4).

ClinVar aggregate classification (germline): Uncertain significance (1 of 4 stars; one submission).

Submission:

Labcorp Genetics (formerly Invitae), Labcorp
Classification: Uncertain significance. Last evaluated: 2022-09-27. Review status: criteria provided, single submitter. Criteria: Invitae Variant Classification Sherloc (09022015). Collection method: clinical testing. Allele origin: germline.
Comment: A copy number gain of the genomic region encompassing the full coding sequence of the AIMP2 gene has been identified. The boundaries of this event are unknown as they extend beyond the assayed region for this gene and therefore may encompass additional genes. As the precise location of this event is unknown, it may be in tandem or it may be located elsewhere in the genome. This variant has not been reported in the literature in individuals affected with AIMP2-related conditions. In summary, the available evidence is currently insufficient to determine the role of this variant in disease. Therefore, it has been classified as a Variant of Uncertain Significance.